The following is an entry in ClinVar:

NM_001042492.3(NF1):c.3485T>G (p.Met1162Arg)

Gene: NF1 (neurofibromin 1; plus strand). Cytogenetic location: 17q11.2.
Variant type: single nucleotide variant.
Coding change: c.3485T>G on transcript NM_001042492.3 (MANE Select); coding-DNA position 3485, T replaced by G.
Protein change: p.Met1162Arg; replaces methionine 1162 with arginine.
Molecular consequence: missense variant.
Genome position (GRCh38, 1-based): chr17:31,232,870, T>G. VCF-style: chr17-31232870-T-G. GRCh37 (hg19) VCF-style: chr17-29559888-T-G.
Other names: c.3485T>G, p.Met1162Arg (NM_000267.4); short protein forms M1162R.
Identifiers: ClinVar variation 234094 (VCV000234094.15), dbSNP rs200732832, ClinGen allele CA8486168.

ClinVar aggregate classification (germline): Conflicting classifications of pathogenicity. Review status: criteria provided, conflicting classifications (1 of 4 stars). 5 submissions from 4 submitters: Uncertain significance (4); Likely benign (1). Last evaluated 2026-01-19.

Conditions:
Cardiovascular phenotype. Identifiers: MedGen CN230736.
Hereditary cancer-predisposing syndrome. Also called: Tumor predisposition; Hereditary Cancer Syndrome; Hereditary neoplastic syndrome; Neoplastic Syndromes, Hereditary. Identifiers: Orphanet 140162, MedGen C0027672, MeSH D009386, MONDO:0015356.
Neurofibromatosis, type 1 (NF1). Also called: VON RECKLINGHAUSEN DISEASE; NEUROFIBROMATOSIS, TYPE I, SOMATIC; Peripheral type neurofibromatosis; Neurofibromatosis, type I. Identifiers: Orphanet 636, MedGen C0027831, MONDO:0018975, OMIM 162200. Disease mechanism: loss of function.

Allele frequency attached by ClinVar (database versions not stated): gnomAD exomes below 0.00001 and 0.00001; ExAC 0.00001; gnomAD 0.00001; TOPMed 0.00002; 1000 Genomes Project 30x 0.00016; 1000 Genomes Project 0.00020.

Submissions (5):

Labcorp Genetics (formerly Invitae), Labcorp
Classification: Likely benign for Neurofibromatosis, type 1. Last evaluated: 2026-01-19. Review status: criteria provided, single submitter. Criteria: Invitae Variant Classification Sherloc (09022015). Collection method: clinical testing. Allele origin: germline.

Genome-Nilou Lab
Classification: Uncertain significance for Neurofibromatosis, type 1. Last evaluated: 2022-03-15. Review status: criteria provided, single submitter. Criteria: ACMG Guidelines, 2015. Collection method: clinical testing. Allele origin: germline. Affected: no.

Ambry Genetics
Classification: Uncertain significance for Cardiovascular phenotype; Hereditary cancer-predisposing syndrome. Last evaluated: 2019-07-17. Review status: criteria provided, single submitter. Criteria: Ambry Variant Classification Scheme 2023. Collection method: clinical testing. Allele origin: germline.

GeneDx
Classification: Uncertain significance. Last evaluated: 2019-04-25. Review status: criteria provided, single submitter. Criteria: GeneDx Variant Classification Process June 2021. Collection method: clinical testing. Allele origin: germline. Affected: yes.

Ambry Genetics
Classification: Uncertain significance for Hereditary cancer-predisposing syndrome. Last evaluated: 2015-09-27. Review status: criteria provided, single submitter. Criteria: Ambry Autosomal Dominant and X-Linked criteria (10/2015). Collection method: clinical testing. Allele origin: germline. Observed: 1 variant allele.
Comment: The p.M1162R variant (also known as c.3485T>G), located in coding exon 26 of the NF1 gene, results from a T to G substitution at nucleotide position 3485. The methionine at codon 1162 is replaced by arginine, an amino acid with similar properties. This variant was previously reported in the SNPDatabase as rs200732832. Based on data from the 1000 Genomes Project, the G allele has an overall frequency of approximately 0.05% (1/2098) total alleles studied. The highest observed frequency was 0.57% (1/176) Yoruba alleles. To date, this alteration has been detected with an allele frequency of approximately 0.002% (greater than 55000alleles tested) in our clinical cohort.This amino acid position is highly conserved in available vertebrate species. In addition, the in silico prediction for this alteration is inconclusive.Since supporting evidence is limited at this time, the clinical significance of p.M1162Rremains unclear.